The following is an entry in ClinVar:

ClinVar aggregate classification (germline): Uncertain significance. Review status: criteria provided, multiple submitters, no conflicts (2 of 4 stars). 3 submissions from 3 submitters: Uncertain significance (3). Last evaluated 2023-11-20.

Conditions:
Malignant hyperthermia, susceptibility to, 1 (MHS1). Also called: Anesthesia related hyperthermia; Malignant hyperpyrexia; Fulminating hyperpyrexia; Pharmacogenic myopathy; RYR1-Related Malignant Hyperthermia Susceptibility; Malignant hyperthermia suceptibility 1. Identifiers: Orphanet 423, MedGen C2930980, MONDO:0007783, OMIM 145600.
RYR1-related disorder. Also called: RYR1-related condition; RYR1-related disorders. Identifiers: MedGen CN239331.

Allele frequency attached by ClinVar (database versions not stated): gnomAD 0.00001; TOPMed 0.00001; ExAC 0.00002.
gnomAD v4.1: 9 of 1,613,956 alleles (0.00056%); highest among the groups gnomAD compares: Non-Finnish European, 0.00042%; no homozygotes.

Submissions (3):

All of Us Research Program, National Institutes of Health
Classification: Uncertain significance for Malignant hyperthermia, susceptibility to, 1. Last evaluated: 2023-11-20. Review status: criteria provided, single submitter. Criteria: ACMG Guidelines, 2015. Collection method: clinical testing. Allele origin: germline. Inheritance: Autosomal dominant inheritance. Observed: 1 variant allele, 1 heterozygote.
Comment: This missense variant replaces lysine with arginine at codon 800 of the RYR1 protein. Computational prediction is inconclusive regarding the impact of this variant on protein structure and function (internally defined REVEL score threshold 0.5 < inconclusive < 0.7, PMID: 27666373). To our knowledge, functional studies have not been reported for this variant. This variant has not been reported in individuals affected with RYR1-related disorders in the literature. This variant has been identified in 3/251494 chromosomes in the general population by the Genome Aggregation Database (gnomAD). The available evidence is insufficient to determine the role of this variant in disease conclusively. Therefore, this variant is classified as a Variant of Uncertain Significance.

This study involves interpretation of variants in research participants for the purpose of population health screening. Participant phenotype was not available at the time of variant classification. Additional details can be found in publication PMID: 35346344, PMCID: PMC8962531

Labcorp Genetics (formerly Invitae), Labcorp
Classification: Uncertain significance for RYR1-related disorder. Last evaluated: 2022-10-24. Review status: criteria provided, single submitter. Criteria: Invitae Variant Classification Sherloc (09022015). Collection method: clinical testing. Allele origin: germline.
Comment: This sequence change replaces lysine, which is basic and polar, with arginine, which is basic and polar, at codon 800 of the RYR1 protein (p.Lys800Arg). This variant is present in population databases (rs745571195, gnomAD 0.002%). This variant has not been reported in the literature in individuals affected with RYR1-related conditions. Advanced modeling of protein sequence and biophysical properties (such as structural, functional, and spatial information, amino acid conservation, physicochemical variation, residue mobility, and thermodynamic stability) has been performed at Invitae for this missense variant, however the output from this modeling did not meet the statistical confidence thresholds required to predict the impact of this variant on RYR1 protein function. In summary, the available evidence is currently insufficient to determine the role of this variant in disease. Therefore, it has been classified as a Variant of Uncertain Significance.

Revvity Omics, Revvity
Classification: Uncertain significance. Last evaluated: 2019-03-28. Review status: criteria provided, single submitter. Criteria: ACMG Guidelines, 2015. Collection method: clinical testing. Allele origin: germline.

NM_000540.3(RYR1):c.2399A>G (p.Lys800Arg)

Gene: RYR1 (ryanodine receptor 1; plus strand). Cytogenetic location: 19q13.2.
Variant type: single nucleotide variant.
Coding change: c.2399A>G on transcript NM_000540.3 (MANE Select); coding-DNA position 2399, A replaced by G.
Protein change: p.Lys800Arg; replaces lysine 800 with arginine.
Molecular consequence: missense variant.
Genome position (GRCh38, 1-based): chr19:38,460,413, A>G. VCF-style: chr19-38460413-A-G. GRCh37 (hg19) VCF-style: chr19-38951053-A-G.
Other names: c.2399A>G, p.Lys800Arg (NM_001042723.2); short protein forms K800R.
Identifiers: ClinVar variation 2175182 (VCV002175182.5), dbSNP rs745571195, ClinGen allele CA063221.
Genomic context (GRCh38, chr19:38,460,413, plus strand): 5'-CCCATTGTCCTTCCTTACCCAGGGTGCGGTTCCTCCTTGGTGGCCGCCATGGTGAATTCA[A>G]GTTCCTGCCCCCACCTGGCTATGCTCCATGCCATGAGGCTGTGCTCCCTCGAGAGCGACT-3'
Protein context (NP_000531.2, residues 790-810): FLLGGRHGEF[Lys800Arg]FLPPPGYAPC